The following is an entry in ClinVar:

ClinVar aggregate classification (germline): Likely benign. Review status: criteria provided, single submitter (1 of 4 stars). 2 submissions from 2 submitters: Likely benign (1). 1 of the submissions does not count toward it. Last evaluated 2024-10-25.

Conditions:
ARSG-related disorder. Also called: ARSG-related condition.

Allele frequency attached by ClinVar (database versions not stated): gnomAD 0.00008; gnomAD exomes 0.00009; ExAC 0.00004; ESP Exome Variant Server 0.00023; TOPMed 0.00008.
gnomAD v4.1: 134 of 1,603,398 alleles (0.0084%); highest among the groups gnomAD compares: Non-Finnish European, 0.011%; no homozygotes.

Submissions (2):

Blueprint Genetics
Classification: Likely benign. Last evaluated: 2024-10-25. Review status: criteria provided, single submitter. Criteria: ACMG Guidelines, 2015. Collection method: clinical testing. Allele origin: germline.

PreventionGenetics, part of Exact Sciences
Classification: Likely benign for ARSG-related condition. Last evaluated: 2019-12-17. Review status: no assertion criteria provided. Collection method: clinical testing. Allele origin: germline. Not counted in ClinVar's aggregate classification.
Comment: This variant is classified as likely benign based on ACMG/AMP sequence variant interpretation guidelines (Richards et al. 2015 PMID: 25741868, with internal and published modifications).

NM_001267727.2(ARSG):c.*10T>C

Genes: ARSG (arylsulfatase G; plus strand), PRKAR1A (protein kinase cAMP-dependent type I regulatory subunit alpha; plus strand). Cytogenetic location: 17q24.2.
Variant type: single nucleotide variant.
Coding change: c.*10T>C on transcript NM_001267727.2 (MANE Select); 10 bases downstream of the stop codon, T replaced by C.
Molecular consequence: 3 prime UTR variant. On other transcripts: intron variant (3).
Genome position (GRCh38, 1-based): chr17:68,420,473, T>C. VCF-style: chr17-68420473-T-C. GRCh37 (hg19) VCF-style: chr17-66416614-T-C.
Other names: c.*10T>C (NM_001352899.2, NM_001352900.2, NM_001352901.2 and 7 more transcripts); c.1303+19023T>C (NM_001352910.2); c.1255+19023T>C (NM_001352909.2); c.-7+6678T>C (NM_001278433.2).
Identifiers: ClinVar variation 3048656 (VCV003048656.3), dbSNP rs374705157, ClinGen allele CA8728609.